The following is an entry in ClinVar:

NM_024675.4(PALB2):c.1035A>C (p.Leu345Phe)

Gene: PALB2 (partner and localizer of BRCA2; minus strand). Cytogenetic location: 16p12.2.
Variant type: single nucleotide variant.
Coding change: c.1035A>C on transcript NM_024675.4 (MANE Select); coding-DNA position 1035, A replaced by C.
Protein change: p.Leu345Phe; replaces leucine 345 with phenylalanine.
Molecular consequence: missense variant.
Genome position (GRCh38, 1-based): chr16:23,635,511, T>G on the plus strand (A>C on the coding strand, the complement: PALB2 is on the minus strand). VCF-style: chr16-23635511-T-G. GRCh37 (hg19) VCF-style: chr16-23646832-T-G.
Other names: short protein forms L345F.
Identifiers: ClinVar variation 230560 (VCV000230560.5), dbSNP rs876658634, ClinGen allele CA10580025.

ClinVar aggregate classification (germline): Uncertain significance (1 of 4 stars; one submission).

Conditions:
Hereditary cancer-predisposing syndrome. Also called: Neoplastic Syndromes, Hereditary; Tumor predisposition; Hereditary Cancer Syndrome; Hereditary neoplastic syndrome. Identifiers: Orphanet 140162, MedGen C0027672, MeSH D009386, MONDO:0015356.

Submission:

Ambry Genetics
Classification: Uncertain significance for Hereditary cancer-predisposing syndrome. Last evaluated: 2015-03-05. Review status: criteria provided, single submitter. Criteria: Ambry Variant Classification Scheme 2023. Collection method: clinical testing. Allele origin: germline.
Comment: The p.L345F variant (also known as c.1035A>C), located in coding exon 4 of the PALB2 gene, results from an A to C substitution at nucleotide position 1035. The leucine at codon 345 is replaced by phenylalanine, an amino acid with highly similar properties. This variant was not reported in population based cohorts in the following databases: Database of Single Nucleotide Polymorphisms (dbSNP), NHLBI Exome Sequencing Project (ESP), and 1000 Genomes Project. In the ESP, this variant was not observed in 6497 samples (12994 alleles) with coverage at this position. To date, this alteration has been detected with an allele frequency of approximately 0.002% (greater than 42000 alleles tested) in our clinical cohort. This amino acid position is not well conserved in available vertebrate species. In addition, this alteration is predicted to be tolerated by in silico analysis. Since supporting evidence is limited at this time, the clinical significance of p.L345F remains unclear.